The following is an entry in ClinVar:

ClinVar aggregate classification (germline): Uncertain significance (1 of 4 stars; one submission).

Conditions:
Osteogenesis imperfecta type I (OI1). Also called: OI, TYPE I; OSTEOGENESIS IMPERFECTA TARDA; OSTEOGENESIS IMPERFECTA WITH BLUE SCLERAE; Osteogenesis imperfecta type 1; Lobstein's Disease; Lobstein disease. Identifiers: Orphanet 216796, Orphanet 666, MedGen C0023931, MONDO:0008146, OMIM 166200. Disease mechanism: loss of function.

Submission:

Labcorp Genetics (formerly Invitae), Labcorp
Classification: Uncertain significance for Osteogenesis imperfecta type I. Last evaluated: 2024-04-29. Review status: criteria provided, single submitter. Criteria: Invitae Variant Classification Sherloc (09022015). Collection method: clinical testing. Allele origin: germline.
Comment: This sequence change replaces alanine, which is neutral and non-polar, with serine, which is neutral and polar, at codon 735 of the COL1A1 protein (p.Ala735Ser). This variant is not present in population databases (gnomAD no frequency). This variant has not been reported in the literature in individuals affected with COL1A1-related conditions. ClinVar contains an entry for this variant (Variation ID: 456747). Advanced modeling of protein sequence and biophysical properties (such as structural, functional, and spatial information, amino acid conservation, physicochemical variation, residue mobility, and thermodynamic stability) performed at Invitae indicates that this missense variant is not expected to disrupt COL1A1 protein function with a negative predictive value of 95%. In summary, the available evidence is currently insufficient to determine the role of this variant in disease. Therefore, it has been classified as a Variant of Uncertain Significance.

NM_000088.4(COL1A1):c.2203G>T (p.Ala735Ser)

Gene: COL1A1 (collagen type I alpha 1 chain; minus strand). Cytogenetic location: 17q21.33.
Variant type: single nucleotide variant.
Coding change: c.2203G>T on transcript NM_000088.4 (MANE Select); coding-DNA position 2203, G replaced by T.
Protein change: p.Ala735Ser; replaces alanine 735 with serine.
Molecular consequence: missense variant.
Genome position (GRCh38, 1-based): chr17:50,191,415, C>A on the plus strand (G>T on the coding strand, the complement: COL1A1 is on the minus strand). VCF-style: chr17-50191415-C-A. GRCh37 (hg19) VCF-style: chr17-48268776-C-A.
Other names: short protein forms A735S.
Identifiers: ClinVar variation 456747 (VCV000456747.9), dbSNP rs1555573014, ClinGen allele CA400210942.
Genomic context (GRCh38, chr17:50,191,415, plus strand): 5'-CTCAGGGGAGGGGGAAGGTTGAACTTACTCTGTCACCCTTAGGCCCTGGAAGACCAGCTG[C>A]ACCACGTTCACCAGGCATTCCCTGAAGGCCAGGGGCGCCCTGGCTACCGGGAGCTCCAGG-3'
Protein context (NP_000079.2, residues 725-745): GLQGMPGERG[Ala735Ser]AGLPGPKGDR